The following is an entry in ClinVar:

ClinVar aggregate classification (germline): Uncertain significance (1 of 4 stars; one submission).

Conditions:
Gastrointestinal stromal tumor. Also called: Gastrointestinal stromal tumor, somatic; Gastrointestinal stroma tumor. Identifiers: Orphanet 44890, MedGen C0238198, MeSH D046152, MONDO:0011719, OMIM 606764, HP:0100723.

Submission:

Labcorp Genetics (formerly Invitae), Labcorp
Classification: Uncertain significance for Gastrointestinal stromal tumor. Last evaluated: 2025-03-09. Review status: criteria provided, single submitter. Criteria: Invitae Variant Classification Sherloc (09022015). Collection method: clinical testing. Allele origin: germline.
Comment: This sequence change falls in intron 1 of the KIT gene. It does not directly change the encoded amino acid sequence of the KIT protein. This variant is not present in population databases (gnomAD no frequency). This variant has not been reported in the literature in individuals affected with KIT-related conditions. ClinVar contains an entry for this variant (Variation ID: 2710603). Algorithms developed to predict the effect of sequence changes on RNA splicing suggest that this variant may disrupt the consensus splice site. In summary, the available evidence is currently insufficient to determine the role of this variant in disease. Therefore, it has been classified as a Variant of Uncertain Significance.

NM_000222.3(KIT):c.68-5G>A

Gene: KIT (KIT proto-oncogene, receptor tyrosine kinase; plus strand). Cytogenetic location: 4q12.
Variant type: single nucleotide variant.
Coding change: c.68-5G>A on transcript NM_000222.3 (MANE Select); 5 bases into the intron before coding-DNA position 68, G replaced by A.
Molecular consequence: intron variant.
Genome position (GRCh38, 1-based): chr4:54,695,507, G>A. VCF-style: chr4-54695507-G-A. GRCh37 (hg19) VCF-style: chr4-55561673-G-A.
Other names: c.68-5G>A (NM_001385284.1, NM_001385290.1, NM_001385288.1 and 4 more transcripts).
Identifiers: ClinVar variation 2710603 (VCV002710603.3), dbSNP rs2109660247, ClinGen allele CA2697546707.